The following is an entry in ClinVar:

ClinVar aggregate classification (germline): Uncertain significance (1 of 4 stars; one submission).

Allele frequency attached by ClinVar (database versions not stated): gnomAD exomes below 0.00001.
gnomAD v4.1: 1 of 1,606,418 alleles (0.000062%); highest among the groups gnomAD compares: Non-Finnish European, 0.000085%; no homozygotes.

Submission:

Labcorp Genetics (formerly Invitae), Labcorp
Classification: Uncertain significance. Last evaluated: 2022-10-16. Review status: criteria provided, single submitter. Criteria: Invitae Variant Classification Sherloc (09022015). Collection method: clinical testing. Allele origin: germline.
Comment: This variant is not present in population databases (gnomAD no frequency). This sequence change replaces proline, which is neutral and non-polar, with serine, which is neutral and polar, at codon 410 of the SLC44A4 protein (p.Pro410Ser). This variant has not been reported in the literature in individuals affected with SLC44A4-related conditions. In summary, the available evidence is currently insufficient to determine the role of this variant in disease. Therefore, it has been classified as a Variant of Uncertain Significance. Algorithms developed to predict the effect of missense changes on protein structure and function are either unavailable or do not agree on the potential impact of this missense change (SIFT: "Not Available"; PolyPhen-2: "Probably Damaging"; Align-GVGD: "Not Available").

NM_025257.3(SLC44A4):c.1228C>T (p.Pro410Ser)

Gene: SLC44A4 (solute carrier family 44 member 4; minus strand). Cytogenetic location: 6p21.33.
Variant type: single nucleotide variant.
Coding change: c.1228C>T on transcript NM_025257.3 (MANE Select); coding-DNA position 1228, C replaced by T.
Protein change: p.Pro410Ser; replaces proline 410 with serine.
Molecular consequence: missense variant.
Genome position (GRCh38, 1-based): chr6:31,869,160, G>A on the plus strand (C>T on the coding strand, the complement: SLC44A4 is on the minus strand). VCF-style: chr6-31869160-G-A. GRCh37 (hg19) VCF-style: chr6-31836937-G-A.
Other names: c.1102C>T, p.Pro368Ser (NM_001178044.2); c.1000C>T, p.Pro334Ser (NM_001178045.2); c.1228C>T, p.Pro410Ser (NM_032794.1); short protein forms P334S, P410S, P368S.
Identifiers: ClinVar variation 2033362 (VCV002033362.4), dbSNP rs2481475615, ClinGen allele CA363365832.
Genomic context (GRCh38, chr6:31,869,160, plus strand): 5'-CCTACAGCCCCTCACCCCTACTAGTCCCGCCTCCATGTCCCCTGCTTCCTCTTACCGTGG[G>A]GTTGCATGATGTATTTATTGGCACTTTCTCACAGCCGGGGGAGCTGATGTTGGATGCCCA-3'
Protein context (NP_079533.2, residues 400-420): EKVPINTSCN[Pro410Ser]TAHLVNSSCP